The following is an entry in ClinVar:

ClinVar aggregate classification (germline): Uncertain significance (1 of 4 stars; one submission).

Submission:

Women's Health and Genetics/Laboratory Corporation of America, LabCorp
Classification: Uncertain significance. Last evaluated: 2025-05-05. Review status: criteria provided, single submitter. Criteria: LabCorp Variant Classification Summary - May 2015. Collection method: clinical testing. Allele origin: germline.
Comment: Variant summary: MYH9 c.3169T>C (p.Ser1057Pro) results in a non-conservative amino acid change in the encoded protein sequence. Algorithms developed to predict the effect of missense changes on protein structure and function are either unavailable or do not agree on the potential impact of this missense change. The variant was absent in 251186 control chromosomes. The available data on variant occurrences in the general population are insufficient to allow any conclusion about variant significance. To our knowledge, no occurrence of c.3169T>C in individuals affected with Macrothrombocytopenia And Granulocyte Inclusions With Or Without Nephritis Or Sensorineural Hearing Loss and no experimental evidence demonstrating its impact on protein function have been reported. No submitters have cited clinical-significance assessments for this variant to ClinVar. Based on the evidence outlined above, the variant was classified as uncertain significance.

NM_002473.6(MYH9):c.3169T>C (p.Ser1057Pro)

Gene: MYH9 (myosin heavy chain 9; minus strand). Cytogenetic location: 22q12.3.
Variant type: single nucleotide variant.
Coding change: c.3169T>C on transcript NM_002473.6 (MANE Select); coding-DNA position 3169, T replaced by C.
Protein change: p.Ser1057Pro; replaces serine 1057 with proline.
Molecular consequence: missense variant.
Genome position (GRCh38, 1-based): chr22:36,296,946, A>G on the plus strand (T>C on the coding strand, the complement: MYH9 is on the minus strand). VCF-style: chr22-36296946-A-G. GRCh37 (hg19) VCF-style: chr22-36692992-A-G.
Other names: short protein forms S1057P.
Identifiers: ClinVar variation 3902523 (VCV003902523.1).
Genomic context (GRCh38, chr22:36,296,946, plus strand): 5'-GCATCTTGAGCTCCGCGATCTGGGCCTGGAGCTCGGCGATCTGGTCGCTGAGGTCTGTGG[A>G]GTCTCCCTCCAGCTTCCGGCGGGTCTTCTCCAGCTCCTGTCGCTGCTTCTCCTCCCTGCG-3'
Protein context (NP_002464.1, residues 1047-1067): EKTRRKLEGD[Ser1057Pro]TDLSDQIAEL